The following is an entry in ClinVar:

NM_001360016.2(G6PD):c.1284C>A (p.Tyr428Ter)

Gene: G6PD (glucose-6-phosphate dehydrogenase; minus strand). Cytogenetic location: Xq28.
Variant type: single nucleotide variant.
Coding change: c.1284C>A on transcript NM_001360016.2 (MANE Select); coding-DNA position 1284, C replaced by A.
Protein change: p.Tyr428Ter; replaces tyrosine 428 with a stop codon.
Molecular consequence: nonsense.
Genome position (GRCh38, 1-based): chrX:154,532,570, G>T on the plus strand (C>A on the coding strand, the complement: G6PD is on the minus strand). VCF-style: chrX-154532570-G-T. GRCh37 (hg19) VCF-style: chrX-153760785-G-T.
Other names: G6PD Georgia; c.1374C>A, p.Tyr458Ter (NM_000402.4); c.1284C>A, p.Tyr428Ter (NM_001042351.3); short protein forms Y428*, Y458*.
Identifiers: ClinVar variation 1722682 (VCV001722682.2), dbSNP rs2523262389, ClinGen allele CA415233808.
Genomic context (GRCh38, chrX:154,532,570, plus strand): 5'-GGAGTCCCCCGGGCCCAGGCCGCCCACCCTCCACACTGCTCCTTCTCTGTAGGGCACCTT[G>T]TATCTGTTGCCGTAGGTCAGGTCCAGCTCCGACTCCTCGGGGTTGAAGAACATGCCCGGC-3'

ClinVar aggregate classification (germline): Pathogenic (1 of 4 stars; one submission).

Conditions:
Anemia, nonspherocytic hemolytic, due to G6PD deficiency (CNSHA1). Also called: Hemolytic anemia due to G6PD deficiency; Class I glucose-6-phosphate dehydrogenase deficiency; Favism, susceptibility to; ANEMIA, CONGENITAL, NONSPHEROCYTIC HEMOLYTIC, 1. Identifiers: Orphanet 466026, MedGen C2720289, MONDO:0010480, OMIM 300908.

Submission:

Dunham Lab, University of Washington
Classification: Pathogenic for Anemia, nonspherocytic hemolytic, due to G6PD deficiency. Last evaluated: 2022-08-12. Review status: criteria provided, single submitter. Criteria: Bayesian ACMG Guidelines, 2018. Collection method: curation. Allele origin: unknown. Affected: yes.
Comment: Decreased activity in red blood cells of heterozygote (60%) (PS3). Introduces stop codon at residue 428 (PVS1). Not found in gnomAD (PM2). Post_P 0.9998 (odds of pathogenicity 58947, Prior_P 0.1).

Literature cited by the submitters: PubMed 7803800.